The following is an entry in ClinVar:

NM_014049.5(ACAD9):c.*194A>G

Genes: ACAD9 (acyl-CoA dehydrogenase family member 9; plus strand), CFAP92 (cilia and flagella associated protein 92 (putative); minus strand). Cytogenetic location: 3q21.3.
Variant type: single nucleotide variant.
Coding change: c.*194A>G on transcript NM_014049.5 (MANE Select); 194 bases downstream of the stop codon, A replaced by G.
Molecular consequence: 3 prime UTR variant. On other transcripts: non-coding transcript variant (1), intron variant (3).
Genome position (GRCh38, 1-based): chr3:128,912,801, A>G. VCF-style: chr3-128912801-A-G. GRCh37 (hg19) VCF-style: chr3-128631644-A-G.
Other names: c.*194A>G (NM_001410805.1); c.2311+2318T>C (NM_001348521.2); c.2407+2318T>C (NM_001348520.2); c.3280+2318T>C (NM_001394090.1).
Identifiers: ClinVar variation 1706261 (VCV001706261.2), dbSNP rs369326682, ClinGen allele CA2601793.

ClinVar aggregate classification (germline): Likely benign (1 of 4 stars; one submission).

Allele frequency attached by ClinVar (database versions not stated): TOPMed 0.00008; 1000 Genomes Project 30x 0.00016; ESP Exome Variant Server 0.00017; 1000 Genomes Project 0.00020; gnomAD exomes 0.00103; gnomAD 0.00136; ExAC 0.00150.
gnomAD v4.1: 811 of 730,146 alleles (0.11%); highest among the groups gnomAD compares: Non-Finnish European, 0.027%; 10 homozygotes.

Submission:

GeneDx
Classification: Likely benign. Last evaluated: 2020-12-07. Review status: criteria provided, single submitter. Criteria: GeneDx Variant Classification Process June 2021. Collection method: clinical testing. Allele origin: germline. Affected: yes.
Comment: See Variant Classification Assertion Criteria.